The following is an entry in ClinVar:

ClinVar aggregate classification (germline): Uncertain significance (1 of 4 stars; one submission).

Conditions:
Autosomal recessive limb-girdle muscular dystrophy type R18 (LGMDR18). Also called: MUSCULAR DYSTROPHY, LIMB-GIRDLE, AUTOSOMAL RECESSIVE 18; Limb-girdle muscular dystrophy, type 2S; Autosomal recessive limb-girdle muscular dystrophy type 2S. Identifiers: Orphanet 369840, MedGen C4517996, MONDO:0014144, OMIM 615356.

Submission:

Labcorp Genetics (formerly Invitae), Labcorp
Classification: Uncertain significance for Autosomal recessive limb-girdle muscular dystrophy type R18. Last evaluated: 2022-10-24. Review status: criteria provided, single submitter. Criteria: Invitae Variant Classification Sherloc (09022015). Collection method: clinical testing. Allele origin: germline.
Comment: In summary, the available evidence is currently insufficient to determine the role of this variant in disease. Therefore, it has been classified as a Variant of Uncertain Significance. Algorithms developed to predict the effect of missense changes on protein structure and function (SIFT, PolyPhen-2, Align-GVGD) all suggest that this variant is likely to be tolerated. ClinVar contains an entry for this variant (Variation ID: 1498080). This variant has not been reported in the literature in individuals affected with TRAPPC11-related conditions. This variant is not present in population databases (gnomAD no frequency). This sequence change replaces arginine, which is basic and polar, with proline, which is neutral and non-polar, at codon 844 of the TRAPPC11 protein (p.Arg844Pro).

NM_021942.6(TRAPPC11):c.2531G>C (p.Arg844Pro)

Gene: TRAPPC11 (trafficking protein particle complex subunit 11; plus strand). Cytogenetic location: 4q35.1.
Variant type: single nucleotide variant.
Coding change: c.2531G>C on transcript NM_021942.6 (MANE Select); coding-DNA position 2531, G replaced by C.
Protein change: p.Arg844Pro; replaces arginine 844 with proline.
Molecular consequence: missense variant.
Genome position (GRCh38, 1-based): chr4:183,694,626, G>C. VCF-style: chr4-183694626-G-C. GRCh37 (hg19) VCF-style: chr4-184615779-G-C.
Other names: c.2531G>C, p.Arg844Pro (NM_199053.3); short protein forms R844P.
Identifiers: ClinVar variation 1498080 (VCV001498080.6), dbSNP rs781082721, ClinGen allele CA358872214.
Genomic context (GRCh38, chr4:183,694,626, plus strand): 5'-GTAATACTAATTAAATTACAACATTTATTTTGTTACAGCTGGAAAAAATGTTGTATGTTC[G>C]CTGTGGAACAGTGGGTTCCAGAATGTTTCTTGTATATGTTTCTTACCTGATAAATACAAC-3'
Protein context (NP_068761.4, residues 834-854): GEQLEKMLYV[Arg844Pro]CGTVGSRMFL